The following is an entry in ClinVar:

ClinVar aggregate classification (germline): Uncertain significance. Review status: criteria provided, multiple submitters, no conflicts (2 of 4 stars). 2 submissions from 2 submitters: Uncertain significance (2). Last evaluated 2024-12-14.

Conditions:
Autosomal recessive osteopetrosis 1. Also called: ALBERS-SCHONBERG DISEASE, AUTOSOMAL RECESSIVE; TCIRG1-Related Osteopetrosis; TCIRG1-Related Autosomal Recessive Osteopetrosis. Identifiers: Orphanet 667, MedGen C1850127, MONDO:0009815, OMIM 259700.

Allele frequency attached by ClinVar (database versions not stated): gnomAD 0.00002 and 0.00003; TOPMed 0.00002; gnomAD exomes 0.00005 and 0.00007; ExAC 0.00007; ESP Exome Variant Server 0.00008.
gnomAD v4.1: 106 of 1,608,754 alleles (0.0066%); highest among the groups gnomAD compares: Non-Finnish European, 0.0084%; no homozygotes.

Submissions (2):

Labcorp Genetics (formerly Invitae), Labcorp
Classification: Uncertain significance. Last evaluated: 2024-12-14. Review status: criteria provided, single submitter. Criteria: Invitae Variant Classification Sherloc (09022015). Collection method: clinical testing. Allele origin: germline.
Comment: This sequence change replaces aspartic acid, which is acidic and polar, with asparagine, which is neutral and polar, at codon 356 of the TCIRG1 protein (p.Asp356Asn). This variant is present in population databases (rs372701023, gnomAD 0.01%). This variant has not been reported in the literature in individuals affected with TCIRG1-related conditions. ClinVar contains an entry for this variant (Variation ID: 1029000). Invitae Evidence Modeling of protein sequence and biophysical properties (such as structural, functional, and spatial information, amino acid conservation, physicochemical variation, residue mobility, and thermodynamic stability) indicates that this missense variant is not expected to disrupt TCIRG1 protein function with a negative predictive value of 80%. In summary, the available evidence is currently insufficient to determine the role of this variant in disease. Therefore, it has been classified as a Variant of Uncertain Significance.

Baylor Genetics
Classification: Uncertain significance for Autosomal recessive osteopetrosis 1. Last evaluated: 2019-01-18. Review status: criteria provided, single submitter. Criteria: ACMG Guidelines, 2015. Collection method: clinical testing. Allele origin: maternal. Affected: yes.
Comment: This variant was determined to be of uncertain significance according to ACMG Guidelines, 2015 [PMID:25741868].

NM_006019.4(TCIRG1):c.1066G>A (p.Asp356Asn)

Gene: TCIRG1 (T cell immune regulator 1, ATPase H+ transporting V0 subunit a3; plus strand). Cytogenetic location: 11q13.2.
Variant type: single nucleotide variant.
Coding change: c.1066G>A on transcript NM_006019.4 (MANE Select); coding-DNA position 1066, G replaced by A.
Protein change: p.Asp356Asn; replaces aspartic acid 356 with asparagine.
Molecular consequence: missense variant.
Genome position (GRCh38, 1-based): chr11:68,045,003, G>A. VCF-style: chr11-68045003-G-A. GRCh37 (hg19) VCF-style: chr11-67812470-G-A.
Other names: c.172G>A, p.Asp58Asn (NM_001351059.2); c.418G>A, p.Asp140Asn (NM_006053.4); short protein forms D58N, D140N, D356N.
Identifiers: ClinVar variation 1029000 (VCV001029000.2), dbSNP rs372701023, ClinGen allele CA6146933.